The following is an entry in ClinVar:

ClinVar aggregate classification (germline): Likely benign (1 of 4 stars; one submission).

gnomAD v4.1: 2 of 1,164,590 alleles (0.00017%); highest among the groups gnomAD compares: Non-Finnish European, 0.00023%; no homozygotes.

Submission:

CeGaT Center for Human Genetics Tuebingen
Classification: Likely benign. Last evaluated: 2022-07-01. Review status: criteria provided, single submitter. Criteria: CeGaT Center For Human Genetics Tuebingen Variant Classification Criteria Version 2. Collection method: clinical testing. Allele origin: germline. Affected: yes. Observed: 1 variant allele.
Comment: AIFM1: BP4

NM_004208.4(AIFM1):c.968-340A>G

Genes: AIFM1 (apoptosis inducing factor mitochondria associated 1; minus strand), RAB33A (RAB33A, member RAS oncogene family; plus strand). Cytogenetic location: Xq26.1.
Variant type: single nucleotide variant.
Coding change: c.968-340A>G on transcript NM_004208.4 (MANE Select); 340 bases into the intron before coding-DNA position 968, A replaced by G.
Molecular consequence: intron variant. On other transcripts: 5 prime UTR variant (1), missense variant (1), non-coding transcript variant (1).
Genome position (GRCh38, 1-based): chrX:130,137,525, T>C on the plus strand (A>G on the coding strand, the complement: AIFM1 is on the minus strand). VCF-style: chrX-130137525-T-C. GRCh37 (hg19) VCF-style: chrX-129271500-T-C.
Other names: c.-390A>G (NM_001130846.4); c.968A>G, p.Asp323Gly (NM_001130847.4); c.956-340A>G (NM_145812.3); short protein forms D323G.
Identifiers: ClinVar variation 2661430 (VCV002661430.24), dbSNP rs935187661, ClinGen allele CA414580382.